The following is an entry in ClinVar:

NM_000875.5(IGF1R):c.3814C>G (p.Pro1272Ala)

Gene: IGF1R (insulin like growth factor 1 receptor; plus strand). Cytogenetic location: 15q26.3.
Variant type: single nucleotide variant.
Coding change: c.3814C>G on transcript NM_000875.5 (MANE Select); coding-DNA position 3814, C replaced by G.
Protein change: p.Pro1272Ala; replaces proline 1272 with alanine.
Molecular consequence: missense variant.
Genome position (GRCh38, 1-based): chr15:98,957,152, C>G. VCF-style: chr15-98957152-C-G. GRCh37 (hg19) VCF-style: chr15-99500381-C-G.
Other names: c.3811C>G, p.Pro1271Ala (NM_001291858.2); short protein forms P1271A, P1272A.
Identifiers: ClinVar variation 2790276 (VCV002790276.3), dbSNP rs767268676, ClinGen allele CA393668332.

ClinVar aggregate classification (germline): Uncertain significance (1 of 4 stars; one submission).

gnomAD v4.1: 1 of 1,614,240 alleles (0.000062%); highest among the groups gnomAD compares: East Asian, 0.0022%; no homozygotes.

Submission:

Labcorp Genetics (formerly Invitae), Labcorp
Classification: Uncertain significance. Last evaluated: 2023-05-30. Review status: criteria provided, single submitter. Criteria: Invitae Variant Classification Sherloc (09022015). Collection method: clinical testing. Allele origin: germline.
Comment: This variant has not been reported in the literature in individuals affected with IGF1R-related conditions. This variant is not present in population databases (gnomAD no frequency). This sequence change replaces proline, which is neutral and non-polar, with alanine, which is neutral and non-polar, at codon 1272 of the IGF1R protein (p.Pro1272Ala). In summary, the available evidence is currently insufficient to determine the role of this variant in disease. Therefore, it has been classified as a Variant of Uncertain Significance. Advanced modeling of protein sequence and biophysical properties (such as structural, functional, and spatial information, amino acid conservation, physicochemical variation, residue mobility, and thermodynamic stability) performed at Invitae indicates that this missense variant is not expected to disrupt IGF1R protein function.